The following is an entry in ClinVar:

NM_000465.4(BARD1):c.278A>C (p.Gln93Pro)

Gene: BARD1 (BRCA1 associated RING domain 1; minus strand). Cytogenetic location: 2q35.
Variant type: single nucleotide variant.
Coding change: c.278A>C on transcript NM_000465.4 (MANE Select); coding-DNA position 278, A replaced by C.
Protein change: p.Gln93Pro; replaces glutamine 93 with proline.
Molecular consequence: missense variant. On other transcripts: non-coding transcript variant (1), intron variant (2).
Genome position (GRCh38, 1-based): chr2:214,792,383, T>G on the plus strand (A>C on the coding strand, the complement: BARD1 is on the minus strand). VCF-style: chr2-214792383-T-G. GRCh37 (hg19) VCF-style: chr2-215657107-T-G.
Other names: c.221A>C, p.Gln74Pro (NM_001282543.2); c.278A>C, p.Gln93Pro (NM_001282549.2); c.158+17029A>C (NM_001282548.2); c.215+4678A>C (NM_001282545.2); c.278A>C (NM_000465.2); short protein forms Q74P, Q93P.
Identifiers: ClinVar variation 2834281 (VCV002834281.4), dbSNP rs2106134966, ClinGen allele CA350461095.

ClinVar aggregate classification (germline): Uncertain significance. Review status: criteria provided, multiple submitters, no conflicts (2 of 4 stars). 2 submissions from 2 submitters: Uncertain significance (2). Last evaluated 2026-07-07.

Conditions:
Familial cancer of breast. Also called: BREAST CANCER, FAMILIAL; Hereditary breast cancer; hereditary breast carcinoma. Identifiers: Orphanet 227535, MedGen C0346153, MONDO:0016419, OMIM 114480. Disease mechanism: loss of function.
Hereditary cancer-predisposing syndrome. Also called: Hereditary Cancer Syndrome; Hereditary neoplastic syndrome; Neoplastic Syndromes, Hereditary; Tumor predisposition. Identifiers: Orphanet 140162, MedGen C0027672, MeSH D009386, MONDO:0015356.

Allele frequency attached by ClinVar (database versions not stated): gnomAD exomes below 0.00001.
gnomAD v4.1: 1 of 1,613,268 alleles (0.000062%); highest among the groups gnomAD compares: Middle Eastern, 0.017%; no homozygotes.

Submissions (2):

Ambry Genetics
Classification: Uncertain significance for Hereditary cancer-predisposing syndrome. Last evaluated: 2026-07-07. Review status: criteria provided, single submitter. Criteria: Ambry Variant Classification Scheme 2023. Collection method: clinical testing. Allele origin: germline.
Comment: The p.Q93P variant (also known as c.278A>C), located in coding exon 3 of the BARD1 gene, results from an A to C substitution at nucleotide position 278. The glutamine at codon 93 is replaced by proline, an amino acid with similar properties. This amino acid position is conserved. In addition, this alteration is predicted to be tolerated by in silico analysis. Based on the available evidence, the clinical significance of this variant remains unclear.

Labcorp Genetics (formerly Invitae), Labcorp
Classification: Uncertain significance for Familial cancer of breast. Last evaluated: 2023-02-17. Review status: criteria provided, single submitter. Criteria: Invitae Variant Classification Sherloc (09022015). Collection method: clinical testing. Allele origin: germline.
Comment: This sequence change replaces glutamine, which is neutral and polar, with proline, which is neutral and non-polar, at codon 93 of the BARD1 protein (p.Gln93Pro). This variant is not present in population databases (gnomAD no frequency). This variant has not been reported in the literature in individuals affected with BARD1-related conditions. An algorithm developed to predict the effect of missense changes on protein structure and function (PolyPhen-2) suggests that this variant is likely to be disruptive. In summary, the available evidence is currently insufficient to determine the role of this variant in disease. Therefore, it has been classified as a Variant of Uncertain Significance.